The following is an entry in ClinVar:

NM_000283.4(PDE6B):c.1717C>T (p.Leu573Phe)

Gene: PDE6B (phosphodiesterase 6B; plus strand). Cytogenetic location: 4p16.3.
Variant type: single nucleotide variant.
Coding change: c.1717C>T on transcript NM_000283.4 (MANE Select); coding-DNA position 1717, C replaced by T.
Protein change: p.Leu573Phe; replaces leucine 573 with phenylalanine.
Molecular consequence: missense variant.
Genome position (GRCh38, 1-based): chr4:662,236, C>T. VCF-style: chr4-662236-C-T. GRCh37 (hg19) VCF-style: chr4-656025-C-T.
Other names: c.1717C>T, p.Leu573Phe (NM_001145291.2); c.880C>T, p.Leu294Phe (NM_001145292.2, NM_001350154.3, NM_001379246.1 and 1 more transcripts); c.562C>T, p.Leu188Phe (NM_001350155.3); short protein forms L294F, L188F, L573F.
Identifiers: ClinVar variation 2093824 (VCV002093824.4), dbSNP rs1376038623, ClinGen allele CA355917090.

ClinVar aggregate classification (germline): Uncertain significance (1 of 4 stars; one submission).

Allele frequency attached by ClinVar (database versions not stated): TOPMed below 0.00001.

Submission:

Labcorp Genetics (formerly Invitae), Labcorp
Classification: Uncertain significance. Last evaluated: 2022-09-06. Review status: criteria provided, single submitter. Criteria: Invitae Variant Classification Sherloc (09022015). Collection method: clinical testing. Allele origin: germline.
Comment: In summary, the available evidence is currently insufficient to determine the role of this variant in disease. Therefore, it has been classified as a Variant of Uncertain Significance. Algorithms developed to predict the effect of missense changes on protein structure and function are either unavailable or do not agree on the potential impact of this missense change (SIFT: "Deleterious"; PolyPhen-2: "Probably Damaging"; Align-GVGD: "Class C0"). This variant has not been reported in the literature in individuals affected with PDE6B-related conditions. This variant is not present in population databases (gnomAD no frequency). This sequence change replaces leucine, which is neutral and non-polar, with phenylalanine, which is neutral and non-polar, at codon 573 of the PDE6B protein (p.Leu573Phe).